The following is an entry in ClinVar:

ClinVar aggregate classification (germline): Uncertain significance (1 of 4 stars; one submission).

Allele frequency attached by ClinVar (database versions not stated): gnomAD 0.00001.
gnomAD v4.1: 1 of 1,608,346 alleles (0.000062%); highest among the groups gnomAD compares: Non-Finnish European, 0.000085%; no homozygotes.

Submission:

Labcorp Genetics (formerly Invitae), Labcorp
Classification: Uncertain significance. Last evaluated: 2022-04-10. Review status: criteria provided, single submitter. Criteria: Invitae Variant Classification Sherloc (09022015). Collection method: clinical testing. Allele origin: germline.
Comment: This sequence change falls in intron 26 of the USH2A gene. It does not directly change the encoded amino acid sequence of the USH2A protein. This variant is present in population databases (no rsID available, gnomAD 0.007%). This variant has not been reported in the literature in individuals affected with USH2A-related conditions. Algorithms developed to predict the effect of sequence changes on RNA splicing suggest that this variant may disrupt the consensus splice site. In summary, the available evidence is currently insufficient to determine the role of this variant in disease. Therefore, it has been classified as a Variant of Uncertain Significance.

NM_206933.4(USH2A):c.5298+16T>G

Genes: USH2A (usherin; minus strand), USH2A-AS2 (USH2A antisense RNA 2; plus strand). Cytogenetic location: 1q41.
Variant type: single nucleotide variant.
Coding change: c.5298+16T>G on transcript NM_206933.4 (MANE Select); 16 bases into the intron after coding-DNA position 5298, T replaced by G.
Molecular consequence: intron variant.
Genome position (GRCh38, 1-based): chr1:216,083,440, A>C on the plus strand (T>G on the coding strand, the complement: USH2A is on the minus strand). VCF-style: chr1-216083440-A-C. GRCh37 (hg19) VCF-style: chr1-216256782-A-C.
Identifiers: ClinVar variation 2166872 (VCV002166872.1), dbSNP rs1292055780, ClinGen allele CA528730402.
Genomic context (GRCh38, chr1:216,083,440, plus strand): 5'-TGCCAACACATGGTTTATTTATTTTAAAGTTGGGTCCTATATTTTAAAGTAATTTTAATC[A>C]AATTAATTCACATACAGCAAGAAAATCAGGTCCATCTTTGTTATAAACGAAAAGAAGCAA-3'